The following is an entry in ClinVar:

ClinVar aggregate classification (germline): Benign/Likely benign. Review status: criteria provided, multiple submitters, no conflicts (2 of 4 stars). 2 submissions from 2 submitters: Benign (1); Likely benign (1). Last evaluated 2026-04-24.

Conditions:
Colorectal cancer, susceptibility to, 1. Also called: COLORECTAL ADENOMA AND CANCER, SUSCEPTIBILITY TO; COLORECTAL CANCER, SUSCEPTIBILITY TO, ON CHROMOSOME 9. Identifiers: MedGen C1837315, MONDO:0012132, OMIM 608812.

Submissions (2):

Myriad Genetics, Inc.
Classification: Benign for Colorectal cancer, susceptibility to, 1. Last evaluated: 2026-04-24. Review status: criteria provided, single submitter. Criteria: Myriad Autosomal Dominant, Autosomal Recessive and X-Linked Classification Criteria (2023). Collection method: clinical testing. Allele origin: unknown.
Comment: This variant is considered benign. This variant is a silent/synonymous amino acid change and it is not expected to impact splicing.

Ambry Genetics
Classification: Likely benign. Last evaluated: 2021-04-17. Review status: criteria provided, single submitter. Criteria: Ambry Variant Classification Scheme 2023. Collection method: clinical testing. Allele origin: germline.

NM_024642.5(GALNT12):c.783C>T (p.Asp261=)

Gene: GALNT12 (polypeptide N-acetylgalactosaminyltransferase 12; plus strand). Cytogenetic location: 9q22.33.
Variant type: single nucleotide variant.
Coding change: c.783C>T on transcript NM_024642.5 (MANE Select); coding-DNA position 783, C replaced by T.
Protein change: p.Asp261=; no amino-acid change (aspartic acid 261 retained).
Molecular consequence: synonymous variant.
Genome position (GRCh38, 1-based): chr9:98,831,823, C>T. VCF-style: chr9-98831823-C-T. GRCh37 (hg19) VCF-style: chr9-101594105-C-T.
Identifiers: ClinVar variation 1760849 (VCV001760849.3), dbSNP rs1836004426, ClinGen allele CA466424825.